The following is an entry in ClinVar:

NM_001105206.3(LAMA4):c.354C>T (p.Ile118=)

Gene: LAMA4 (laminin subunit alpha 4; minus strand). Cytogenetic location: 6q21.
Variant type: single nucleotide variant.
Coding change: c.354C>T on transcript NM_001105206.3 (MANE Select); coding-DNA position 354, C replaced by T.
Protein change: p.Ile118=; no amino-acid change (isoleucine 118 retained).
Molecular consequence: synonymous variant.
Genome position (GRCh38, 1-based): chr6:112,207,089, G>A on the plus strand (C>T on the coding strand, the complement: LAMA4 is on the minus strand). VCF-style: chr6-112207089-G-A. GRCh37 (hg19) VCF-style: chr6-112528290-G-A.
Other names: c.354C>T, p.Ile118= (NM_001105207.3, NM_002290.5); c.354C>T (NM_002290.4).
Identifiers: ClinVar variation 1147165 (VCV001147165.13), dbSNP rs144933976, ClinGen allele CA3966188.

ClinVar aggregate classification (germline): Likely benign. Review status: criteria provided, multiple submitters, no conflicts (2 of 4 stars). 3 submissions from 3 submitters: Likely benign (2). 1 of the submissions does not count toward it. Last evaluated 2025-08-09.

Conditions:
Cardiovascular phenotype. Identifiers: MedGen CN230736.
Dilated cardiomyopathy 1JJ (CMD1JJ). Identifiers: Orphanet 154, MedGen C3808935, MONDO:0014095, OMIM 615235.
LAMA4-related disorder. Also called: LAMA4-related condition.

Allele frequency attached by ClinVar (database versions not stated): ExAC 0.00005; gnomAD exomes 0.00005; ESP Exome Variant Server 0.00008; gnomAD 0.00014 and 0.00015; TOPMed 0.00019; 1000 Genomes Project 0.00020; 1000 Genomes Project 30x 0.00031.
gnomAD v4.1: 44 of 1,613,926 alleles (0.0027%); highest among the groups gnomAD compares: African/African-American, 0.032%; no homozygotes.

Submissions (3):

Labcorp Genetics (formerly Invitae), Labcorp
Classification: Likely benign for Dilated cardiomyopathy 1JJ. Last evaluated: 2025-08-09. Review status: criteria provided, single submitter. Criteria: Invitae Variant Classification Sherloc (09022015). Collection method: clinical testing. Allele origin: germline.

Ambry Genetics
Classification: Likely benign for Cardiovascular phenotype. Last evaluated: 2019-09-19. Review status: criteria provided, single submitter. Criteria: Ambry Variant Classification Scheme 2023. Collection method: clinical testing. Allele origin: germline.

PreventionGenetics, part of Exact Sciences
Classification: Likely benign for LAMA4-related condition. Last evaluated: 2019-08-19. Review status: no assertion criteria provided. Collection method: clinical testing. Allele origin: germline. Not counted in ClinVar's aggregate classification.
Comment: This variant is classified as likely benign based on ACMG/AMP sequence variant interpretation guidelines (Richards et al. 2015 PMID: 25741868, with internal and published modifications).